The following is an entry in ClinVar:

ClinVar aggregate classification (germline): Likely benign (1 of 4 stars; one submission).

Conditions:
Glycogen storage disease, type II (IOPD). Also called: Pompe Disease; CARDIOMEGALIA GLYCOGENICA DIFFUSA; GLYCOGENOSIS, GENERALIZED, CARDIAC FORM; GSD II; POMPE DISEASE, INFANTILE-ONSET; GLYCOGEN STORAGE DISEASE II, INFANTILE-ONSET. Identifiers: Orphanet 365, MedGen C0017921, MONDO:0009290, OMIM 232300.

Submission:

Genomenon, Inc
Classification: Likely benign for Glycogen storage disease, type II. Last evaluated: 2026-07-01. Review status: criteria provided, single submitter. Criteria: Genomenon Sequence Variant Interpretation Standards - Updated. Collection method: curation. Allele origin: germline. Affected: no.
Comment: GAA c.2040+22G>T is an intronic variant located in intron 14. This variant has been reported in the published literature (PMID:18425781). It is absent or not present at a significant frequency in gnomAD. This variant is not predicted to impact splicing. In conclusion, we classify GAA c.2040+22G>T as a likely benign variant.

Literature cited by the submitters: PubMed 18425781.

NM_000152.5(GAA):c.2040+22G>T

Gene: GAA (alpha glucosidase; plus strand). Cytogenetic location: 17q25.3.
Variant type: single nucleotide variant.
Coding change: c.2040+22G>T on transcript NM_000152.5 (MANE Select); 22 bases into the intron after coding-DNA position 2040, G replaced by T.
Molecular consequence: intron variant.
Genome position (GRCh38, 1-based): chr17:80,113,049, G>T. VCF-style: chr17-80113049-G-T. GRCh37 (hg19) VCF-style: chr17-78086848-G-T.
Other names: c.2040+22G>T (NM_001406741.1, NM_001406742.1, NM_001079803.3 and 1 more transcripts).
Identifiers: ClinVar variation 4876350 (VCV004876350.1).
Genomic context (GRCh38, chr17:80,113,049, plus strand): 5'-TACCCCTTCATGCGGAACCACAACAGCCTGCTCAGTCTGGTAGGGTGGGGGTGGCGGCAT[G>T]GCAGGTGGGCGATCCCACCCACCCAAGACTCTCCCCTGGGAATCCCACCCCTGCTGGAGA-3'